The following is an entry in ClinVar:

NM_001267550.2(TTN):c.36502C>G (p.Pro12168Ala)

Gene: TTN (titin; minus strand). Cytogenetic location: 2q31.2.
Variant type: single nucleotide variant.
Coding change: c.36502C>G on transcript NM_001267550.2 (MANE Select); coding-DNA position 36502, C replaced by G.
Protein change: p.Pro12168Ala; replaces proline 12168 with alanine.
Molecular consequence: missense variant. On other transcripts: intron variant (5).
Genome position (GRCh38, 1-based): chr2:178,663,657, G>C on the plus strand (C>G on the coding strand, the complement: TTN is on the minus strand). VCF-style: chr2-178663657-G-C. GRCh37 (hg19) VCF-style: chr2-179528384-G-C.
Other names: c.13283-21340C>G (NM_003319.4); c.13859-21340C>G (NM_133437.4); c.13658-21340C>G (NM_133432.3); c.31484-602C>G (NM_133378.4); c.34265-602C>G (NM_001256850.1); short protein forms P12168A.
Identifiers: ClinVar variation 3352321 (VCV003352321.3), dbSNP rs368825855.

ClinVar aggregate classification (germline): Conflicting classifications of pathogenicity. Review status: criteria provided, conflicting classifications (1 of 4 stars). 2 submissions from 2 submitters: Uncertain significance (1); Likely benign (1). Last evaluated 2026-09-21.

Conditions:
TTN-related disorder. Also called: TTN-related condition; TTN-related disease; TTN-related disorders.

gnomAD v4.1: 33 of 1,613,532 alleles (0.002%); highest among the groups gnomAD compares: African/African-American, 0.031%; no homozygotes.

Submissions (2):

Molecular Diagnostic Laboratory for Inherited Cardiovascular Disease, Montreal Heart Institute
Classification: Likely benign. Last evaluated: 2026-09-21. Review status: criteria provided, single submitter. Criteria: ACMG Guidelines, 2015. Collection method: clinical testing. Allele origin: germline. Affected: no.
Comment: BP1

PreventionGenetics, part of Exact Sciences
Classification: Uncertain significance for TTN-related condition. Last evaluated: 2026-06-17. Review status: criteria provided, single submitter. Criteria: ACMG Guidelines, 2015. Collection method: clinical testing. Allele origin: germline.
Comment: The TTN c.36502C>G variant is predicted to result in the amino acid substitution p.Pro12168Ala. To our knowledge, this variant has not been reported in the literature. This variant is reported in 0.034% of alleles in individuals of African descent in gnomAD. At this time, the clinical significance of this variant is uncertain due to the absence of conclusive functional and genetic evidence.